The following is an entry in ClinVar:

ClinVar aggregate classification (germline): Benign (1 of 4 stars; one submission).

gnomAD v4.1: 62 of 928,560 alleles (0.0067%); highest among the groups gnomAD compares: Admixed American, 0.13%; no homozygotes.

Submission:

CeGaT Center for Human Genetics Tuebingen
Classification: Benign. Last evaluated: 2026-05-01. Review status: criteria provided, single submitter. Criteria: CeGaT Center For Human Genetics Tuebingen Variant Classification Criteria Version 2. Collection method: clinical testing. Allele origin: germline. Affected: yes. Observed: 1 variant allele.
Comment: TAF4: BS1, BS2

NM_003185.4(TAF4):c.537C>G (p.Gly179=)

Gene: TAF4 (TATA-box binding protein associated factor 4; minus strand). Cytogenetic location: 20q13.33.
Variant type: single nucleotide variant.
Coding change: c.537C>G on transcript NM_003185.4 (MANE Select); coding-DNA position 537, C replaced by G.
Protein change: p.Gly179=; no amino-acid change (glycine 179 retained).
Molecular consequence: synonymous variant.
Genome position (GRCh38, 1-based): chr20:62,065,274, G>C on the plus strand (C>G on the coding strand, the complement: TAF4 is on the minus strand). VCF-style: chr20-62065274-G-C. GRCh37 (hg19) VCF-style: chr20-60640330-G-C.
Identifiers: ClinVar variation 4872618 (VCV004872618.2).